The following is an entry in ClinVar:

ClinVar aggregate classification (germline): Likely benign (0 of 4 stars; one submission).

Conditions:
GLS-related disorder. Also called: GLS-related condition.

Allele frequency attached by ClinVar (database versions not stated): 1000 Genomes Project 0.00020; ExAC 0.00026; 1000 Genomes Project 30x 0.00047; gnomAD 0.00095; TOPMed 0.00128.
gnomAD v4.1: 338 of 1,539,938 alleles (0.022%); highest among the groups gnomAD compares: African/African-American, 0.36%; 1 homozygote.

Submission:

PreventionGenetics, part of Exact Sciences
Classification: Likely benign for GLS-related condition. Last evaluated: 2021-06-16. Review status: no assertion criteria provided. Collection method: clinical testing. Allele origin: germline.
Comment: This variant is classified as likely benign based on ACMG/AMP sequence variant interpretation guidelines (Richards et al. 2015 PMID: 25741868, with internal and published modifications).

NM_014905.5(GLS):c.290C>T (p.Pro97Leu)

Genes: GLS (glutaminase; plus strand), LOC129935270 (ATAC-STARR-seq lymphoblastoid silent region 12188; plus strand). Cytogenetic location: 2q32.2.
Variant type: single nucleotide variant.
Coding change: c.290C>T on transcript NM_014905.5 (MANE Select); coding-DNA position 290, C replaced by T.
Protein change: p.Pro97Leu; replaces proline 97 with leucine.
Molecular consequence: missense variant.
Genome position (GRCh38, 1-based): chr2:190,881,374, C>T. VCF-style: chr2-190881374-C-T. GRCh37 (hg19) VCF-style: chr2-191746100-C-T.
Other names: c.290C>T, p.Pro97Leu (NM_001256310.2); short protein forms P97L.
Identifiers: ClinVar variation 3054890 (VCV003054890.2), dbSNP rs537971593, ClinGen allele CA2029160.